The following is an entry in ClinVar:

NM_001083614.2(EARS2):c.197del (p.Lys66fs)

Gene: EARS2 (glutamyl-tRNA synthetase 2, mitochondrial; minus strand). Cytogenetic location: 16p12.2.
Variant type: Deletion.
Coding change: c.197del on transcript NM_001083614.2 (MANE Select); coding-DNA position 197, one base deleted (A; older notation c.197delA).
Protein change: p.Lys66fs; shifts the reading frame from lysine 66.
Molecular consequence: frameshift variant. On other transcripts: non-coding transcript variant (1).
Genome position (GRCh38, 1-based): chr16:23,552,247, T deleted on the plus strand (A on the coding strand, the reverse complement: EARS2 is on the minus strand); the first of 2 consecutive T bases (chr16:23,552,247-23,552,248); deleting either gives the same sequence. VCF-style (leftmost placement, unchanged base first): chr16-23552246-CT-C. GRCh37 (hg19) VCF-style: chr16-23563567-CT-C.
Other names: c.197del, p.Lys66fs (NM_001308211.1); c.196delA, p.Lys66Serfs (NM_133451.1); short protein forms K66fs.
Identifiers: ClinVar variation 2002675 (VCV002002675.4), dbSNP rs2506913971, ClinGen allele CA2580091233.

ClinVar aggregate classification (germline): Pathogenic (1 of 4 stars; one submission).

Submission:

Labcorp Genetics (formerly Invitae), Labcorp
Classification: Pathogenic. Last evaluated: 2025-06-09. Review status: criteria provided, single submitter. Criteria: Invitae Variant Classification Sherloc (09022015). Collection method: clinical testing. Allele origin: germline.
Comment: This sequence change creates a premature translational stop signal (p.Lys66Serfs*8) in the EARS2 gene. It is expected to result in an absent or disrupted protein product. Loss-of-function variants in EARS2 are known to be pathogenic (PMID: 22492562). This variant is not present in population databases (gnomAD no frequency). This variant has not been reported in the literature in individuals affected with EARS2-related conditions. ClinVar contains an entry for this variant (Variation ID: 2002675). For these reasons, this variant has been classified as Pathogenic.

Literature cited by the submitters: PubMed 22492562.